The following is an entry in ClinVar:

NM_001130969.3(NSMF):c.533C>A (p.Thr178Asn)

Gene: NSMF (NMDA receptor synaptonuclear signaling and neuronal migration factor; minus strand). Cytogenetic location: 9q34.3.
Variant type: single nucleotide variant.
Coding change: c.533C>A on transcript NM_001130969.3 (MANE Select); coding-DNA position 533, C replaced by A.
Protein change: p.Thr178Asn; replaces threonine 178 with asparagine.
Molecular consequence: missense variant.
Genome position (GRCh38, 1-based): chr9:137,457,502, G>T on the plus strand (C>A on the coding strand, the complement: NSMF is on the minus strand). VCF-style: chr9-137457502-G-T. GRCh37 (hg19) VCF-style: chr9-140351954-G-T.
Other names: c.533C>A, p.Thr178Asn (NM_001130970.2, NM_001130971.2, NM_001178064.2 and 1 more transcripts); short protein forms T178N.
Identifiers: ClinVar variation 4690527 (VCV004690527.1).

ClinVar aggregate classification (germline): Uncertain significance (1 of 4 stars; one submission).

gnomAD v4.1: 13 of 1,611,962 alleles (0.00081%); highest among the groups gnomAD compares: East Asian, 0.011%; no homozygotes.

Submission:

Labcorp Genetics (formerly Invitae), Labcorp
Classification: Uncertain significance. Last evaluated: 2025-03-12. Review status: criteria provided, single submitter. Criteria: Invitae Variant Classification Sherloc (09022015). Collection method: clinical testing. Allele origin: germline.
Comment: This sequence change replaces threonine, which is neutral and polar, with asparagine, which is neutral and polar, at codon 178 of the NSMF protein (p.Thr178Asn). This variant is present in population databases (rs747622558, gnomAD 0.02%). This missense change has been observed in individuals with clinical features of congenital hypogonadotropic hypogonadism (PMID: 34348883; internal data). Invitae Evidence Modeling of protein sequence and biophysical properties (such as structural, functional, and spatial information, amino acid conservation, physicochemical variation, residue mobility, and thermodynamic stability) indicates that this missense variant is not expected to disrupt NSMF protein function with a negative predictive value of 80%. In summary, the available evidence is currently insufficient to determine the role of this variant in disease. Therefore, it has been classified as a Variant of Uncertain Significance.

Literature cited by the submitters: PubMed 34348883.